The following is an entry in ClinVar:

NM_001927.4(DES):c.835G>A (p.Ala279Thr)

Gene: DES (desmin; plus strand). Cytogenetic location: 2q35.
Variant type: single nucleotide variant.
Coding change: c.835G>A on transcript NM_001927.4 (MANE Select); coding-DNA position 835, G replaced by A.
Protein change: p.Ala279Thr; replaces alanine 279 with threonine.
Molecular consequence: missense variant. On other transcripts: intron variant (1).
Genome position (GRCh38, 1-based): chr2:219,420,594, G>A. VCF-style: chr2-219420594-G-A. GRCh37 (hg19) VCF-style: chr2-220285316-G-A.
Other names: c.832G>A, p.Ala278Thr (NM_001382708.1); c.835G>A, p.Ala279Thr (NM_001382710.1, NM_001382711.1, NM_001382712.1); c.565G>A, p.Ala189Thr (NM_001382713.1); c.735+248G>A (NM_001382709.1); short protein forms A189T, A278T, A279T.
Identifiers: ClinVar variation 4791330 (VCV004791330.1).
Genomic context (GRCh38, chr2:219,420,594, plus strand): 5'-GTCCAGGTGGAGATGGACATGTCTAAGCCAGACCTCACTGCCGCCCTCAGGGACATCCGG[G>A]CTCAGTATGAGACCATCGCGGCTAAGAACATTTCTGAAGCTGAGGAGTGGTACAAGTCGA-3'
Protein context (NP_001918.3, residues 269-289): DLTAALRDIR[Ala279Thr]QYETIAAKNI

ClinVar aggregate classification (germline): Uncertain significance (1 of 4 stars; one submission).

Conditions:
Desmin-related myofibrillar myopathy (MFM1). Also called: Desminopathy; Desmin related myopathy (former name); Desmin storage myopathy (former name); Myofibrillar myopathy 1; MYOFIBRILLAR MYOPATHY WITH ARRHYTHMOGENIC RIGHT VENTRICULAR CARDIOMYOPATHY; DESMIN-RELATED MYOPATHY WITH ARRHYTHMOGENIC RIGHT VENTRICULAR CARDIOMYOPATHY. Identifiers: Orphanet 363543, Orphanet 98909, MedGen C1832370, MONDO:0011076, OMIM 601419.

Submission:

Labcorp Genetics (formerly Invitae), Labcorp
Classification: Uncertain significance for Desmin-related myofibrillar myopathy. Last evaluated: 2025-12-29. Review status: criteria provided, single submitter. Criteria: Invitae Variant Classification Sherloc (09022015). Collection method: clinical testing. Allele origin: germline.
Comment: This sequence change replaces alanine, which is neutral and non-polar, with threonine, which is neutral and polar, at codon 279 of the DES protein (p.Ala279Thr). This variant is not present in population databases (gnomAD no frequency). This variant has not been reported in the literature in individuals affected with DES-related conditions. Invitae Evidence Modeling of protein sequence and biophysical properties (such as structural, functional, and spatial information, amino acid conservation, physicochemical variation, residue mobility, and thermodynamic stability) has been performed for this missense variant. However, the output from this modeling did not meet the statistical confidence thresholds required to predict the impact of this variant on DES protein function. In summary, the available evidence is currently insufficient to determine the role of this variant in disease. Therefore, it has been classified as a Variant of Uncertain Significance.